The following is an entry in ClinVar:

ClinVar aggregate classification (germline): Uncertain significance (1 of 4 stars; one submission).

Submission:

Labcorp Genetics (formerly Invitae), Labcorp
Classification: Uncertain significance. Last evaluated: 2022-06-10. Review status: criteria provided, single submitter. Criteria: Invitae Variant Classification Sherloc (09022015). Collection method: clinical testing. Allele origin: germline.
Comment: This sequence change replaces arginine, which is basic and polar, with glycine, which is neutral and non-polar, at codon 422 of the DUOX2 protein (p.Arg422Gly). This variant is not present in population databases (gnomAD no frequency). This variant has not been reported in the literature in individuals affected with DUOX2-related conditions. Advanced modeling of protein sequence and biophysical properties (such as structural, functional, and spatial information, amino acid conservation, physicochemical variation, residue mobility, and thermodynamic stability) performed at Invitae indicates that this missense variant is expected to disrupt DUOX2 protein function. In summary, the available evidence is currently insufficient to determine the role of this variant in disease. Therefore, it has been classified as a Variant of Uncertain Significance.

NM_001363711.2(DUOX2):c.1264C>G (p.Arg422Gly)

Gene: DUOX2 (dual oxidase 2; minus strand). Cytogenetic location: 15q21.1.
Variant type: single nucleotide variant.
Coding change: c.1264C>G on transcript NM_001363711.2 (MANE Select); coding-DNA position 1264, C replaced by G.
Protein change: p.Arg422Gly; replaces arginine 422 with glycine.
Molecular consequence: missense variant.
Genome position (GRCh38, 1-based): chr15:45,108,923, G>C on the plus strand (C>G on the coding strand, the complement: DUOX2 is on the minus strand). VCF-style: chr15-45108923-G-C. GRCh37 (hg19) VCF-style: chr15-45401121-G-C.
Other names: c.1264C>G, p.Arg422Gly (NM_014080.5); short protein forms R422G.
Identifiers: ClinVar variation 2002540 (VCV002002540.1), dbSNP rs371953059, ClinGen allele CA392276999.